The following is an entry in ClinVar:

ClinVar aggregate classification (germline): Likely pathogenic (1 of 4 stars; one submission).

Conditions:
Dilated cardiomyopathy 1G (CMD1G). Identifiers: Orphanet 154, MedGen C1858763, MONDO:0011400, OMIM 604145.
Autosomal recessive limb-girdle muscular dystrophy type 2J (LGMDR10). Also called: Limb-girdle muscular dystrophy, type 2J; MUSCULAR DYSTROPHY, LIMB-GIRDLE, AUTOSOMAL RECESSIVE 10. Identifiers: Orphanet 140922, MedGen C1837342, MONDO:0012127, OMIM 608807.

Submission:

Labcorp Genetics (formerly Invitae), Labcorp
Classification: Likely pathogenic for Dilated cardiomyopathy 1G; Autosomal recessive limb-girdle muscular dystrophy type 2J. Last evaluated: 2020-02-19. Review status: criteria provided, single submitter. Criteria: Invitae Variant Classification Sherloc (09022015). Collection method: clinical testing. Allele origin: germline.
Comment: In summary, the currently available evidence indicates that the variant is pathogenic, but additional data are needed to prove that conclusively. Therefore, this variant has been classified as Likely Pathogenic. This variant is located in the A band of TTN (PMID: 25589632). Truncating variants in this region are significantly overrepresented in patients affected with dilated cardiomyopathy (PMID: 25589632). Truncating variants in this region have also been reported in individuals affected with autosomal recessive centronuclear myopathy (PMID: 23975875). Algorithms developed to predict the effect of sequence changes on RNA splicing suggest that this variant may create or strengthen a splice site, but this prediction has not been confirmed by published transcriptional studies. This variant has not been reported in the literature in individuals with TTN-related conditions. This variant is not present in population databases (ExAC no frequency). This sequence change results in a premature translational stop signal in the TTN gene (p.Ala21123Glyfs*15). While this is not anticipated to result in nonsense mediated decay, it is expected to create a truncated TTN protein.

Literature cited by the submitters: PubMed 25589632; PubMed 23975875.

NM_001267550.2(TTN):c.63367dup (p.Ala21123fs)

Genes: TTN (titin; minus strand), TTN-AS1 (TTN antisense RNA 1; plus strand). Cytogenetic location: 2q31.2.
Variant type: Duplication.
Coding change: c.63367dup on transcript NM_001267550.2 (MANE Select); coding-DNA position 63367, one base duplicated (G; older notation c.63367dupG).
Protein change: p.Ala21123fs; shifts the reading frame from alanine 21123.
Molecular consequence: frameshift variant.
Genome position (GRCh38, 1-based): chr2:178,588,040, C duplicated on the plus strand (G on the coding strand, the reverse complement: TTN is on the minus strand). VCF-style (leftmost placement, unchanged base first): chr2-178588039-G-GC. GRCh37 (hg19) VCF-style: chr2-179452766-G-GC.
Other names: c.58444dup, p.Ala19482fs (NM_001256850.1); c.36172dup, p.Ala12058fs (NM_003319.4); c.55663dup, p.Ala18555fs (NM_133378.4); c.36547dup, p.Ala12183fs (NM_133432.3); c.36748dup, p.Ala12250fs (NM_133437.4); short protein forms A12058fs, A12183fs, A12250fs, A18555fs, A19482fs, A21123fs.
Identifiers: ClinVar variation 1066675 (VCV001066675.11), dbSNP rs2154182688, ClinGen allele CA2499215398.